The following is an entry in ClinVar:

ClinVar aggregate classification (germline): Likely benign (1 of 4 stars; one submission).

Allele frequency attached by ClinVar (database versions not stated): gnomAD exomes 0.00002; TOPMed 0.00002; gnomAD 0.00003; ExAC 0.00005; ESP Exome Variant Server 0.00016.
gnomAD v4.1: 37 of 1,613,474 alleles (0.0023%); highest among the groups gnomAD compares: South Asian, 0.011%; no homozygotes.

Submission:

CeGaT Center for Human Genetics Tuebingen
Classification: Likely benign. Last evaluated: 2022-07-01. Review status: criteria provided, single submitter. Criteria: CeGaT Center For Human Genetics Tuebingen Variant Classification Criteria Version 2. Collection method: clinical testing. Allele origin: germline. Affected: yes. Observed: 2 variant alleles.
Comment: HYDIN: BP4, BP7

NM_001270974.2(HYDIN):c.7470G>A (p.Ala2490=)

Gene: HYDIN (HYDIN axonemal central pair apparatus protein; minus strand). Cytogenetic location: 16q22.2.
Variant type: single nucleotide variant.
Coding change: c.7470G>A on transcript NM_001270974.2 (MANE Select); coding-DNA position 7470, G replaced by A.
Protein change: p.Ala2490=; no amino-acid change (alanine 2490 retained).
Molecular consequence: synonymous variant.
Genome position (GRCh38, 1-based): chr16:70,920,906, C>T on the plus strand (G>A on the coding strand, the complement: HYDIN is on the minus strand). VCF-style: chr16-70920906-C-T. GRCh37 (hg19) VCF-style: chr16-70954809-C-T.
Identifiers: ClinVar variation 2646746 (VCV002646746.24), dbSNP rs1798530, ClinGen allele CA8149967.